The following is an entry in ClinVar:

NM_025179.4(PLXNA2):c.5213G>A (p.Trp1738Ter)

Gene: PLXNA2 (plexin A2; minus strand). Cytogenetic location: 1q32.2.
Variant type: single nucleotide variant.
Coding change: c.5213G>A on transcript NM_025179.4 (MANE Select); coding-DNA position 5213, G replaced by A.
Protein change: p.Trp1738Ter; replaces tryptophan 1738 with a stop codon.
Molecular consequence: nonsense.
Genome position (GRCh38, 1-based): chr1:208,031,602, C>T on the plus strand (G>A on the coding strand, the complement: PLXNA2 is on the minus strand). VCF-style: chr1-208031602-C-T. GRCh37 (hg19) VCF-style: chr1-208204947-C-T.
Other names: short protein forms W1738*.
Identifiers: ClinVar variation 4991188 (VCV004991188.1).

ClinVar aggregate classification (germline): Uncertain significance (1 of 4 stars; one submission).

Conditions:
PLXNA2-related disorder. Also called: PLXNA2-related condition.

Submission:

PreventionGenetics, part of Exact Sciences
Classification: Uncertain significance for PLXNA2-related condition. Last evaluated: 2025-12-26. Review status: criteria provided, single submitter. Criteria: ACMG Guidelines, 2015. Collection method: clinical testing. Allele origin: germline.
Comment: The PLXNA2 c.5213G>A variant is predicted to result in premature protein termination (p.Trp1738*). To our knowledge, this variant has not been reported in the literature or in a large population database (gnomAD), indicating this variant is rare. Loss of function has not been established as a mechanism of PLXNA2-related disease. At this time, the clinical significance of this variant is uncertain due to the absence of conclusive functional and genetic evidence.